The following is an entry in ClinVar:

NM_007375.4(TARDBP):c.892G>A (p.Gly298Ser)

Gene: TARDBP (TAR DNA binding protein; plus strand). Cytogenetic location: 1p36.22.
Variant type: single nucleotide variant.
Coding change: c.892G>A on transcript NM_007375.4 (MANE Select); coding-DNA position 892, G replaced by A.
Protein change: p.Gly298Ser; replaces glycine 298 with serine.
Molecular consequence: missense variant.
Genome position (GRCh38, 1-based): chr1:11,022,301, G>A. VCF-style: chr1-11022301-G-A. GRCh37 (hg19) VCF-style: chr1-11082358-G-A.
Other names: G298S.
Identifiers: ClinVar variation 5232 (VCV000005232.19), dbSNP rs4884357, ClinGen allele CA340375.
Genomic context (GRCh38, chr1:11,022,301, plus strand): 5'-GGTAATCCAGGTGGCTTTGGGAATCAGGGTGGATTTGGTAATAGCAGAGGGGGTGGAGCT[G>A]GTTTGGGAAACAATCAAGGTAGTAATATGGGTGGTGGGATGAACTTTGGTGCGTTCAGCA-3'
Protein context (NP_031401.1, residues 288-308): GFGNSRGGGA[Gly298Ser]LGNNQGSNMG

ClinVar aggregate classification (germline): Pathogenic/Likely pathogenic. Review status: criteria provided, multiple submitters, no conflicts (2 of 4 stars). 9 submissions from 9 submitters: Pathogenic (5); Likely pathogenic (1). 3 of the submissions do not count toward it. Last evaluated 2025-10-11.

Conditions:
TARDBP-related disorder. Also called: TARDBP-related condition.
Amyotrophic lateral sclerosis type 10 (ALS10). Also called: TARDBP-Related Amyotrophic Lateral Sclerosis-Frontotemporal Dementia; AMYOTROPHIC LATERAL SCLEROSIS 10 WITHOUT FRONTOTEMPORAL DEMENTIA AND WITH TDP43 INCLUSIONS; AMYOTROPHIC LATERAL SCLEROSIS 10 WITH OR WITHOUT FRONTOTEMPORAL DEMENTIA AND WITH TDP43 INCLUSIONS; Amyotrophic lateral sclerosis 10, with or without FTD; AMYOTROPHIC LATERAL SCLEROSIS 10 WITH OR WITHOUT FRONTOTEMPORAL DEMENTIA. Identifiers: Orphanet 275872, Orphanet 803, MedGen C2677565, MONDO:0012790, OMIM 612069.
FRONTOTEMPORAL LOBAR DEGENERATION WITH TDP43 INCLUSIONS, TARDBP-RELATED. Also called: Frontotemporal lobar degeneration, TARDBP-related. Identifiers: MedGen C3150169, OMIM 612069.

Allele frequency attached by ClinVar (database versions not stated): gnomAD exomes below 0.00001.

Submissions (9):

Medical and Scientific Branch, Hong Kong Genome Institute
Classification: Likely pathogenic for Amyotrophic lateral sclerosis type 10. Last evaluated: 2025-10-11. Review status: criteria provided, single submitter. Criteria: ACMG Guidelines, 2015. Collection method: clinical testing. Allele origin: germline. Affected: yes.

3billion
Classification: Pathogenic for Amyotrophic lateral sclerosis type 10. Last evaluated: 2025-07-04. Review status: criteria provided, single submitter. Criteria: ACMG Guidelines, 2015. Collection method: clinical testing. Allele origin: germline. Affected: yes.
Comment: The variant is not observed in the gnomAD v4.1.0 dataset. Predicted Consequence/Location: Missense variant. Missense changes are a common disease-causing mechanism. Functional studies provide strong evidence of the variant having a damaging effect on the gene or gene product (PMID: 20624952, 23235148, 24477737, 24507191, 27348499, 30324134, 30442180). The same nucleotide change resulting in the same amino acid change has been previously reported as pathogenic/likely pathogenic with strong evidence (ClinVar ID: VCV000005232 /PMID: 18396105 /3billion dataset). The variant has been observed in multiple (>3) similarly affected unrelated individuals (PMID: 18396105, 20558945, 28709720, 32166880). The variant has been reported to co-segregate with the disease in at least 3 similarly affected relatives/individuals in the same family or similarly affected unrelated families (PMID: 18396105, 20558945). A different missense change at the same codon (p.Gly298Val) has been reported to be associated with TARDBP-related disorder (ClinVar ID: VCV000873205 /PMID: 32579787). Therefore, this variant is classified as Pathogenic according to the recommendation of ACMG/AMP guideline.

Revvity Omics, Revvity
Classification: Pathogenic for Amyotrophic lateral sclerosis type 10. Last evaluated: 2025-06-13. Review status: criteria provided, single submitter. Criteria: ACMG Guidelines, 2015. Collection method: clinical testing. Allele origin: germline.

PreventionGenetics, part of Exact Sciences
Classification: Pathogenic for TARDBP-related condition. Last evaluated: 2025-04-26. Review status: criteria provided, single submitter. Criteria: ACMG Guidelines, 2015. Collection method: clinical testing. Allele origin: germline.
Comment: The TARDBP c.892G>A variant is predicted to result in the amino acid substitution p.Gly298Ser. This variant has been reported in several individuals with amyotrophic lateral sclerosis (ALS, Van Deerlin et al. 2008. PubMed ID: 18396105; Nozaki et al. 2010. PubMed ID: 20558945; Pang et al. 2017. PubMed ID: 28709720; Chen et al. 2020. PubMed ID: 32166880) and has been described as a founder variant for ALS in the Southern Chinese population (Xu et al. 2022. PubMed ID: 35932023). Immunohistochemistry studies from patients' CNS tissues revealed TDP-43 immunopositive inclusions (Van Deerlin et al. 2008. PubMed ID: 18396105), and additional in vitro functional studies using human motor neurons derived from iPS cells have demonstrated that expression of this variant impairs axonal transportation of cytoplasmic granules to distal neuronal compartments (Alami et al. 2014. PubMed ID: 24507191). This variant is located within the conserved C-terminal region of TARDBP, where missense change is not expected to be tolerated and is considered a hot spot for ALS-causing variants (Tiloca et al. 2022. PubMed ID: 36247987). This variant is reported in 0.00088% of alleles in individuals of European (non-Finnish) descent in gnomAD and has been consistently classified as pathogenic in ClinVar. This variant is interpreted as pathogenic.

Athena Diagnostics
Classification: Pathogenic. Last evaluated: 2025-03-24. Review status: criteria provided, single submitter. Criteria: Athena Diagnostics Criteria. Collection method: clinical testing. Allele origin: unknown.
Comment: The frequency of this variant in the general population is consistent with pathogenicity. This variant has been identified in multiple unrelated individuals with clinical features associated with this gene. Assessment of experimental evidence suggests this variant results in abnormal protein function. (PMIDs: 19515851, 20624952, 23235148, 24477737, 27348499, 30324134, 30442180.) The variant is located in a region that is considered important for protein function and/or structure.

Labcorp Genetics (formerly Invitae), Labcorp
Classification: Pathogenic for Amyotrophic lateral sclerosis type 10; FRONTOTEMPORAL LOBAR DEGENERATION WITH TDP43 INCLUSIONS, TARDBP-RELATED. Last evaluated: 2024-03-06. Review status: criteria provided, single submitter. Criteria: Invitae Variant Classification Sherloc (09022015). Collection method: clinical testing. Allele origin: germline.
Comment: This sequence change replaces glycine, which is neutral and non-polar, with serine, which is neutral and polar, at codon 298 of the TARDBP protein (p.Gly298Ser). This variant is present in population databases (rs4884357, gnomAD 0.0009%). This missense change has been observed in individuals with amyotrophic lateral sclerosis (PMID: 18396105, 20558945, 21857683, 28709720, 30324134, 32166880). It has also been observed to segregate with disease in related individuals. ClinVar contains an entry for this variant (Variation ID: 5232). An algorithm developed to predict the effect of missense changes on protein structure and function (PolyPhen-2) suggests that this variant is likely to be tolerated. Experimental studies are conflicting or provide insufficient evidence to determine the effect of this variant on TARDBP function (PMID: 19515851, 20624952, 24477737, 26883171, 27348499, 30442180). For these reasons, this variant has been classified as Pathogenic.

Codex Genetics Limited
Classification: Likely pathogenic for Amyotrophic lateral sclerosis type 10. Last evaluated: 2019-02-28. Review status: no assertion criteria provided. Collection method: provider interpretation. Allele origin: germline. Affected: yes. Not counted in ClinVar's aggregate classification.

OMIM
Classification: Pathogenic for AMYOTROPHIC LATERAL SCLEROSIS 10 WITHOUT FRONTOTEMPORAL DEMENTIA AND WITH TDP43 INCLUSIONS. Last evaluated: 2008-05-01. Review status: no assertion criteria provided. Collection method: literature only. Allele origin: germline. Not counted in ClinVar's aggregate classification.

GeneReviews
No classification provided. Condition: Amyotrophic lateral sclerosis type 10. Review status: no classification provided. Collection method: literature only. Allele origin: germline. Affected: yes. Not counted in ClinVar's aggregate classification.
Comment: Limited evidence of segregation.

Literature cited by the submitters: PubMed 18396105 (cited by 5 submitters); PubMed 20558945 (cited by 3 submitters); PubMed 24507191 (cited by 3 submitters); PubMed 23235148 (cited by 3 submitters); PubMed 32166880 (cited by 3 submitters); PubMed 28709720 (cited by 4 submitters); PubMed 30442180 (cited by 3 submitters); PubMed 32579787 (cited by 3billion); PubMed 24477737 (cited by 4 submitters); PubMed 20624952 (cited by 4 submitters); PubMed 30324134 (cited by 3 submitters); PubMed 27348499 (cited by 3 submitters); PubMed 35932023 (cited by Athena Diagnostics); PubMed 35715944 (cited by Athena Diagnostics); PubMed 26883171 (cited by Athena Diagnostics and Labcorp Genetics (formerly Invitae), Labcorp); PubMed 21857683 (cited by Athena Diagnostics and Labcorp Genetics (formerly Invitae), Labcorp); PubMed 19515851 (cited by Athena Diagnostics and Labcorp Genetics (formerly Invitae), Labcorp); PubMed 22539580 (cited by Athena Diagnostics and Codex Genetics Limited); PubMed 20301761 (cited by Codex Genetics Limited); NCBI Bookshelf NBK5942 (cited by GeneReviews).